The following is an entry in ClinVar:

NM_001267550.2(TTN):c.90196G>A (p.Val30066Ile)

Genes: TTN (titin; minus strand), TTN-AS1 (TTN antisense RNA 1; plus strand). Cytogenetic location: 2q31.2.
Variant type: single nucleotide variant.
Coding change: c.90196G>A on transcript NM_001267550.2 (MANE Select); coding-DNA position 90196, G replaced by A.
Protein change: p.Val30066Ile; replaces valine 30066 with isoleucine.
Molecular consequence: missense variant.
Genome position (GRCh38, 1-based): chr2:178,552,704, C>T on the plus strand (G>A on the coding strand, the complement: TTN is on the minus strand). VCF-style: chr2-178552704-C-T. GRCh37 (hg19) VCF-style: chr2-179417431-C-T.
Other names: c.85273G>A, p.Val28425Ile (NM_001256850.1); c.63001G>A, p.Val21001Ile (NM_003319.4); c.82492G>A, p.Val27498Ile (NM_133378.4); c.63376G>A, p.Val21126Ile (NM_133432.3); c.63577G>A, p.Val21193Ile (NM_133437.4); short protein forms V21001I, V21126I, V21193I, V27498I, V28425I, V30066I.
Identifiers: ClinVar variation 5037909 (VCV005037909.1), dbSNP rs1166369536.

ClinVar aggregate classification (germline): Likely benign (1 of 4 stars; one submission).

gnomAD v4.1: 1 of 1,613,816 alleles (0.000062%); no homozygotes.

Submission:

Molecular Diagnostic Laboratory for Inherited Cardiovascular Disease, Montreal Heart Institute
Classification: Likely benign. Last evaluated: 2026-09-21. Review status: criteria provided, single submitter. Criteria: ACMG Guidelines, 2015. Collection method: clinical testing. Allele origin: germline. Affected: no.
Comment: BP1